The following is an entry in ClinVar:

ClinVar aggregate classification (germline): Uncertain significance (1 of 4 stars; one submission).

Conditions:
RASopathy. Also called: Noonan spectrum disorder; rasopathies. Identifiers: Orphanet 536391, MedGen C5555857, MONDO:0021060.

Submission:

Labcorp Genetics (formerly Invitae), Labcorp
Classification: Uncertain significance for RASopathy. Last evaluated: 2025-10-26. Review status: criteria provided, single submitter. Criteria: Invitae Variant Classification Sherloc (09022015). Collection method: clinical testing. Allele origin: germline.
Comment: This sequence change replaces glycine, which is neutral and non-polar, with glutamic acid, which is acidic and polar, at codon 259 of the MAP2K1 protein (p.Gly259Glu). This variant is not present in population databases (gnomAD no frequency). This variant has not been reported in the literature in individuals affected with MAP2K1-related conditions. Invitae Evidence Modeling of protein sequence and biophysical properties (such as structural, functional, and spatial information, amino acid conservation, physicochemical variation, residue mobility, and thermodynamic stability) indicates that this missense variant is expected to disrupt MAP2K1 protein function with a positive predictive value of 95%. In summary, the available evidence is currently insufficient to determine the role of this variant in disease. Therefore, it has been classified as a Variant of Uncertain Significance.

NM_002755.4(MAP2K1):c.776G>A (p.Gly259Glu)

Gene: MAP2K1 (mitogen-activated protein kinase kinase 1; plus strand). Cytogenetic location: 15q22.31.
Variant type: single nucleotide variant.
Coding change: c.776G>A on transcript NM_002755.4 (MANE Select); coding-DNA position 776, G replaced by A.
Protein change: p.Gly259Glu; replaces glycine 259 with glutamic acid.
Molecular consequence: missense variant.
Genome position (GRCh38, 1-based): chr15:66,485,072, G>A. VCF-style: chr15-66485072-G-A. GRCh37 (hg19) VCF-style: chr15-66777410-G-A.
Other names: c.632G>A, p.Gly211Glu (NM_001411065.1); short protein forms G259E, G211E.
Identifiers: ClinVar variation 4710019 (VCV004710019.1).
Genomic context (GRCh38, chr15:66,485,072, plus strand): 5'-ATTACTCTGTGCAGTCAGACATCTGGAGCATGGGACTGTCTCTGGTAGAGATGGCGGTTG[G>A]GAGGTATCCCATCCCTCCTCCAGATGCCAAGGAGCTGGAGCTGATGTTTGGGTGCCAGGT-3'
Protein context (NP_002746.1, residues 249-269): MGLSLVEMAV[Gly259Glu]RYPIPPPDAK